The following is an entry in ClinVar:

NM_001367823.1(ARHGEF18):c.2866A>G (p.Ser956Gly)

Gene: ARHGEF18 (Rho/Rac guanine nucleotide exchange factor 18; plus strand). Cytogenetic location: 19p13.2.
Variant type: single nucleotide variant.
Coding change: c.2866A>G on transcript NM_001367823.1 (MANE Select); coding-DNA position 2866, A replaced by G.
Protein change: p.Ser956Gly; replaces serine 956 with glycine.
Molecular consequence: missense variant.
Genome position (GRCh38, 1-based): chr19:7,464,652, A>G. VCF-style: chr19-7464652-A-G. GRCh37 (hg19) VCF-style: chr19-7529538-A-G.
Other names: c.2140A>G, p.Ser714Gly (NM_001130955.2); c.1828A>G, p.Ser610Gly (NM_001367824.1, NM_015318.4); short protein forms S714G, S956G, S610G.
Identifiers: ClinVar variation 835645 (VCV000835645.8), dbSNP rs202001420, ClinGen allele CA9137004.

ClinVar aggregate classification (germline): Uncertain significance. Review status: criteria provided, multiple submitters, no conflicts (2 of 4 stars). 3 submissions from 3 submitters: Uncertain significance (3). Last evaluated 2025-08-24.

Conditions:
Inborn genetic diseases. Identifiers: MedGen C0950123, MeSH D030342.

Allele frequency attached by ClinVar (database versions not stated): gnomAD exomes 0.00002 and 0.00001; gnomAD 0.00003 and 0.00001; TOPMed 0.00005; ExAC 0.00002; 1000 Genomes Project 30x 0.00031; 1000 Genomes Project 0.00040.
gnomAD v4.1: 15 of 1,614,050 alleles (0.00093%); highest among the groups gnomAD compares: Middle Eastern, 0.05%; no homozygotes.

Submissions (3):

Ambry Genetics
Classification: Uncertain significance for Inborn genetic diseases. Last evaluated: 2025-08-24. Review status: criteria provided, single submitter. Criteria: Ambry Variant Classification Scheme 2023. Collection method: clinical testing. Allele origin: germline.

Labcorp Genetics (formerly Invitae), Labcorp
Classification: Uncertain significance. Last evaluated: 2023-08-04. Review status: criteria provided, single submitter. Criteria: Invitae Variant Classification Sherloc (09022015). Collection method: clinical testing. Allele origin: germline.
Comment: ClinVar contains an entry for this variant (Variation ID: 835645). Algorithms developed to predict the effect of missense changes on protein structure and function output the following: SIFT: "Not Available"; PolyPhen-2: "Benign"; Align-GVGD: "Not Available". The glycine amino acid residue is found in multiple mammalian species, which suggests that this missense change does not adversely affect protein function. In summary, the available evidence is currently insufficient to determine the role of this variant in disease. Therefore, it has been classified as a Variant of Uncertain Significance. This variant has not been reported in the literature in individuals affected with ARHGEF18-related conditions. This variant is present in population databases (rs202001420, gnomAD 0.006%). This sequence change replaces serine, which is neutral and polar, with glycine, which is neutral and non-polar, at codon 768 of the ARHGEF18 protein (p.Ser768Gly).

Blueprint Genetics
Classification: Uncertain significance. Last evaluated: 2019-01-25. Review status: criteria provided, single submitter. Criteria: ACMG Guidelines, 2015. Collection method: clinical testing. Allele origin: germline.